The following is an entry in ClinVar:

ClinVar aggregate classification (germline): Pathogenic (1 of 4 stars; one submission).

Submission:

Labcorp Genetics (formerly Invitae), Labcorp
Classification: Pathogenic. Last evaluated: 2024-02-14. Review status: criteria provided, single submitter. Criteria: Invitae Variant Classification Sherloc (09022015). Collection method: clinical testing. Allele origin: germline.
Comment: This sequence change creates a premature translational stop signal (p.Val358Glyfs*29) in the TBCD gene. It is expected to result in an absent or disrupted protein product. Loss-of-function variants in TBCD are known to be pathogenic (PMID: 27666370, 27666374). This variant is not present in population databases (gnomAD no frequency). This variant has not been reported in the literature in individuals affected with TBCD-related conditions. For these reasons, this variant has been classified as Pathogenic.

Literature cited by the submitters: PubMed 27666370; PubMed 27666374.

NM_005993.5(TBCD):c.1072dup (p.Val358fs)

Gene: TBCD (tubulin folding cofactor D). Cytogenetic location: 17q25.3.
Variant type: Duplication.
Coding change: c.1072dup on transcript NM_005993.5 (MANE Select); coding-DNA position 1072, one base duplicated.
Protein change: p.Val358fs; shifts the reading frame from valine 358.
Molecular consequence: frameshift variant.
Genome position: GRCh38 VCF-style: chr17-82805991-A-AG. GRCh37 (hg19) VCF-style: chr17-80763867-A-AG.
Other names: c.1021dup, p.Val341fs (NM_001411101.1); c.1072dup, p.Val358fs (NM_001411102.1); short protein forms V341fs, V358fs.
Identifiers: ClinVar variation 3640923 (VCV003640923.2).